The following is an entry in ClinVar:

NM_001849.4(COL6A2):c.1332+26A>G

Gene: COL6A2 (collagen type VI alpha 2 chain; plus strand). Cytogenetic location: 21q22.3.
Variant type: single nucleotide variant.
Coding change: c.1332+26A>G on transcript NM_001849.4 (MANE Select); 26 bases into the intron after coding-DNA position 1332, A replaced by G.
Molecular consequence: intron variant.
Genome position (GRCh38, 1-based): chr21:46,119,876, A>G. VCF-style: chr21-46119876-A-G. GRCh37 (hg19) VCF-style: chr21-47539790-A-G.
Other names: c.1332+26A>G (NM_058175.3, NM_058174.3).
Identifiers: ClinVar variation 93905 (VCV000093905.9), dbSNP rs3737362, ClinGen allele CA147429.

ClinVar aggregate classification (germline): Benign. Review status: criteria provided, multiple submitters, no conflicts (2 of 4 stars). 7 submissions from 5 submitters: Benign (7). Last evaluated 2021-07-30.

Conditions:
Ullrich congenital muscular dystrophy 1A. Also called: Ullrich congenital muscular dystrophy 1; Intermediate COL6-RD. Identifiers: Orphanet 75840, MedGen C0410179, MONDO:0009681, OMIM 254090.
Myosclerosis. Also called: MYOPATHY, MYOSCLEROTIC; MYOSCLEROSIS, CONGENITAL, OF LOWENTHAL; Myosclerosis, congenital. Identifiers: Orphanet 289380, MedGen C1850671, MONDO:0009714, OMIM 255600.
Bethlem myopathy 1A. Also called: Bethlem myopathy 1; Bethlem Muscular Dystrophy; MYOPATHY, BENIGN CONGENITAL, WITH CONTRACTURES. Identifiers: Orphanet 610, MedGen CN029274, MONDO:0024530, OMIM 158810.

Allele frequency attached by ClinVar (database versions not stated): 1000 Genomes Project 30x 0.80949; 1000 Genomes Project 0.80970; ESP Exome Variant Server 0.82267; TOPMed 0.82804; ExAC 0.76684; gnomAD exomes 0.81102 and 0.82043; gnomAD 0.81853 and 0.82158.

Submissions (7):

Genome-Nilou Lab
Classification: Benign for Myosclerosis. Last evaluated: 2021-07-30. Review status: criteria provided, single submitter. Criteria: ACMG Guidelines, 2015. Collection method: clinical testing. Allele origin: germline. Affected: no.

Genome-Nilou Lab
Classification: Benign for Bethlem myopathy 1A. Last evaluated: 2021-07-30. Review status: criteria provided, single submitter. Criteria: ACMG Guidelines, 2015. Collection method: clinical testing. Allele origin: germline. Affected: no.

Genome-Nilou Lab
Classification: Benign for Ullrich congenital muscular dystrophy 1A. Last evaluated: 2021-07-30. Review status: criteria provided, single submitter. Criteria: ACMG Guidelines, 2015. Collection method: clinical testing. Allele origin: germline. Affected: no.

GeneDx
Classification: Benign. Last evaluated: 2018-06-14. Review status: criteria provided, single submitter. Criteria: GeneDx Variant Classification (06012015). Collection method: clinical testing. Allele origin: germline. Affected: yes.
Comment: This variant is considered likely benign or benign based on one or more of the following criteria: it is a conservative change, it occurs at a poorly conserved position in the protein, it is predicted to be benign by multiple in silico algorithms, and/or has population frequency not consistent with disease.

Eurofins Ntd Llc (ga)
Classification: Benign. Last evaluated: 2012-11-16. Review status: criteria provided, single submitter. Criteria: EGL Classification Definitions 2015. Collection method: clinical testing. Allele origin: germline. Observed: 49 variant alleles, 16 heterozygotes, 34 homozygotes.

Breakthrough Genomics
Classification: Benign. Review status: criteria provided, single submitter. Criteria: ACMG Guidelines, 2015. Collection method: not provided. Allele origin: germline. Inheritance: Autosomal recessive inheritance. Affected: yes.

PreventionGenetics, part of Exact Sciences
Classification: Benign. Review status: criteria provided, single submitter. Criteria: ACMG Guidelines, 2015. Collection method: clinical testing. Allele origin: germline.